The following is an entry in ClinVar:

NM_001166108.2(PALLD):c.2357T>G (p.Val786Gly)

Genes: CBR4 (carbonyl reductase 4; minus strand), PALLD (palladin, cytoskeletal associated protein; plus strand). Cytogenetic location: 4q32.3.
Variant type: single nucleotide variant.
Coding change: c.2357T>G on transcript NM_001166108.2 (MANE Select); coding-DNA position 2357, T replaced by G.
Protein change: p.Val786Gly; replaces valine 786 with glycine.
Molecular consequence: missense variant.
Genome position (GRCh38, 1-based): chr4:168,898,599, T>G. VCF-style: chr4-168898599-T-G. GRCh37 (hg19) VCF-style: chr4-169819750-T-G.
Other names: c.1160T>G, p.Val387Gly (NM_001166109.2); c.845T>G, p.Val282Gly (NM_001166110.2); c.185T>G, p.Val62Gly (NM_001367567.1, NM_001367569.1); c.236T>G, p.Val79Gly (NM_001367568.1, NM_001367570.1); c.2306T>G, p.Val769Gly (NM_016081.4); short protein forms V79G, V769G, V786G, V282G, V387G, V62G.
Identifiers: ClinVar variation 3656382 (VCV003656382.2).

ClinVar aggregate classification (germline): Uncertain significance (1 of 4 stars; one submission).

Conditions:
Pancreatic adenocarcinoma. Identifiers: MedGen C0281361, MONDO:0006047, HP:0006725.

Submission:

Labcorp Genetics (formerly Invitae), Labcorp
Classification: Uncertain significance for Pancreatic adenocarcinoma. Last evaluated: 2024-06-12. Review status: criteria provided, single submitter. Criteria: Invitae Variant Classification Sherloc (09022015). Collection method: clinical testing. Allele origin: germline.
Comment: This sequence change replaces valine, which is neutral and non-polar, with glycine, which is neutral and non-polar, at codon 282 of the PALLD protein (p.Val282Gly). This variant is not present in population databases (gnomAD no frequency). This variant has not been reported in the literature in individuals affected with PALLD-related conditions. Algorithms developed to predict the effect of missense changes on protein structure and function output the following: SIFT: "Not Available"; PolyPhen-2: "Benign"; Align-GVGD: "Not Available". The glycine amino acid residue is found in multiple mammalian species, which suggests that this missense change does not adversely affect protein function. In summary, the available evidence is currently insufficient to determine the role of this variant in disease. Therefore, it has been classified as a Variant of Uncertain Significance.